The following is an entry in ClinVar:

NM_024422.6(DSC2):c.1530A>C (p.Lys510Asn)

Gene: DSC2 (desmocollin 2; minus strand). Cytogenetic location: 18q12.1.
Variant type: single nucleotide variant.
Coding change: c.1530A>C on transcript NM_024422.6 (MANE Select); coding-DNA position 1530, A replaced by C.
Protein change: p.Lys510Asn; replaces lysine 510 with asparagine.
Molecular consequence: missense variant.
Genome position (GRCh38, 1-based): chr18:31,079,980, T>G on the plus strand (A>C on the coding strand, the complement: DSC2 is on the minus strand). VCF-style: chr18-31079980-T-G. GRCh37 (hg19) VCF-style: chr18-28659946-T-G.
Other names: c.1101A>C, p.Lys367Asn (NM_001406506.1, NM_001406507.1); c.1530A>C, p.Lys510Asn (NM_004949.5); short protein forms K367N, K510N.
Identifiers: ClinVar variation 2626672 (VCV002626672.2), dbSNP rs2510946706, ClinGen allele CA402108280.
Genomic context (GRCh38, chr18:31,079,980, plus strand): 5'-GAAAACTTTGATTGATCCTGTATTTTCATCAATGGTGACCCACCCTGTTGGATCAGTTAA[T>G]TTCTTATACCTGTTGGTAATGATGAATTAAAATAATAAAATTTATCATATGCTAAATTAT-3'
Protein context (NP_077740.1, residues 500-520): TRSSSGIRYK[Lys510Asn]LTDPTGWVTI

ClinVar aggregate classification (germline): Uncertain significance (1 of 4 stars; one submission).

Conditions:
Cardiovascular phenotype. Identifiers: MedGen CN230736.

Submission:

Ambry Genetics
Classification: Uncertain significance for Cardiovascular phenotype. Last evaluated: 2023-06-23. Review status: criteria provided, single submitter. Criteria: Ambry Variant Classification Scheme 2023. Collection method: clinical testing. Allele origin: germline.
Comment: The p.K510N variant (also known as c.1530A>C), located in coding exon 11 of the DSC2 gene, results from an A to C substitution at nucleotide position 1530. The lysine at codon 510 is replaced by asparagine, an amino acid with similar properties. This amino acid position is conserved. In addition, this alteration is predicted to be tolerated by in silico analysis. Since supporting evidence is limited at this time, the clinical significance of this alteration remains unclear.